The following is an entry in ClinVar:

ClinVar aggregate classification (germline): Uncertain significance (1 of 4 stars; one submission).

Allele frequency attached by ClinVar (database versions not stated): gnomAD 0.00001; TOPMed 0.00001.

Submission:

Labcorp Genetics (formerly Invitae), Labcorp
Classification: Uncertain significance. Last evaluated: 2022-09-01. Review status: criteria provided, single submitter. Criteria: Invitae Variant Classification Sherloc (09022015). Collection method: clinical testing. Allele origin: germline.
Comment: This variant has not been reported in the literature in individuals affected with GRIN2D-related conditions. This variant is not present in population databases (gnomAD no frequency). This sequence change replaces arginine, which is basic and polar, with histidine, which is basic and polar, at codon 1323 of the GRIN2D protein (p.Arg1323His). ClinVar contains an entry for this variant (Variation ID: 1444322). In summary, the available evidence is currently insufficient to determine the role of this variant in disease. Therefore, it has been classified as a Variant of Uncertain Significance. Advanced modeling of protein sequence and biophysical properties (such as structural, functional, and spatial information, amino acid conservation, physicochemical variation, residue mobility, and thermodynamic stability) performed at Invitae indicates that this missense variant is not expected to disrupt GRIN2D protein function.

NM_000836.4(GRIN2D):c.3968G>A (p.Arg1323His)

Gene: GRIN2D (glutamate ionotropic receptor NMDA type subunit 2D; plus strand). Cytogenetic location: 19q13.33.
Variant type: single nucleotide variant.
Coding change: c.3968G>A on transcript NM_000836.4 (MANE Select); coding-DNA position 3968, G replaced by A.
Protein change: p.Arg1323His; replaces arginine 1323 with histidine.
Molecular consequence: missense variant.
Genome position (GRCh38, 1-based): chr19:48,443,894, G>A. VCF-style: chr19-48443894-G-A. GRCh37 (hg19) VCF-style: chr19-48947151-G-A.
Other names: short protein forms R1323H.
Identifiers: ClinVar variation 1444322 (VCV001444322.6), dbSNP rs747098261, ClinGen allele CA9550880.